The following is an entry in ClinVar:

NM_005591.4(MRE11):c.344A>C (p.Asn115Thr)

Gene: MRE11 (MRE11 double strand break repair nuclease; minus strand). Cytogenetic location: 11q21.
Variant type: single nucleotide variant.
Coding change: c.344A>C on transcript NM_005591.4 (MANE Select); coding-DNA position 344, A replaced by C.
Protein change: p.Asn115Thr; replaces asparagine 115 with threonine.
Molecular consequence: missense variant. On other transcripts: intron variant (3), 5 prime UTR variant (3).
Genome position (GRCh38, 1-based): chr11:94,479,732, T>G on the plus strand (A>C on the coding strand, the complement: MRE11 is on the minus strand). VCF-style: chr11-94479732-T-G. GRCh37 (hg19) VCF-style: chr11-94212898-T-G.
Other names: c.344A>C, p.Asn115Thr (NM_005590.4, NM_001440477.1, NM_001440478.1 and 18 more transcripts); c.314+6192A>C (NM_001440483.1, NM_001440484.1, NM_001440482.1); c.269A>C, p.Asn90Thr (NM_001440479.1, NM_001440471.1, NM_001440472.1); c.-125A>C (NM_001440485.1, NM_001440486.1, NM_001440487.1); short protein forms N90T, N115T.
Identifiers: ClinVar variation 4110095 (VCV004110095.1).

ClinVar aggregate classification (germline): Uncertain significance (1 of 4 stars; one submission).

Conditions:
Hereditary cancer-predisposing syndrome. Also called: Tumor predisposition; Neoplastic Syndromes, Hereditary; Hereditary neoplastic syndrome; Hereditary Cancer Syndrome. Identifiers: Orphanet 140162, MedGen C0027672, MeSH D009386, MONDO:0015356.

Submission:

Ambry Genetics
Classification: Uncertain significance for Hereditary cancer-predisposing syndrome. Last evaluated: 2025-08-09. Review status: criteria provided, single submitter. Criteria: Ambry Variant Classification Scheme 2023. Collection method: clinical testing. Allele origin: germline.
Comment: The p.N115T variant (also known as c.344A>C), located in coding exon 4 of the MRE11A gene, results from an A to C substitution at nucleotide position 344. The asparagine at codon 115 is replaced by threonine, an amino acid with similar properties. This amino acid position is conserved. In addition, the in silico prediction for this alteration is inconclusive. Based on the available evidence, the clinical significance of this variant remains unclear.